The following is an entry in ClinVar:

ClinVar aggregate classification (germline): Uncertain significance (1 of 4 stars; one submission).

Allele frequency attached by ClinVar (database versions not stated): gnomAD 0.00001; ExAC 0.00002; gnomAD exomes 0.00002; TOPMed 0.00002.
gnomAD v4.1: 14 of 1,613,966 alleles (0.00087%); highest among the groups gnomAD compares: Admixed American, 0.022%; no homozygotes.

Submission:

Labcorp Genetics (formerly Invitae), Labcorp
Classification: Uncertain significance. Last evaluated: 2023-07-17. Review status: criteria provided, single submitter. Criteria: Invitae Variant Classification Sherloc (09022015). Collection method: clinical testing. Allele origin: germline.
Comment: This sequence change replaces proline, which is neutral and non-polar, with leucine, which is neutral and non-polar, at codon 52 of the KIF14 protein (p.Pro52Leu). This variant is present in population databases (rs201770638, gnomAD 0.03%). This variant has not been reported in the literature in individuals affected with KIF14-related conditions. ClinVar contains an entry for this variant (Variation ID: 2073828). Algorithms developed to predict the effect of missense changes on protein structure and function output the following: SIFT: "Not Available"; PolyPhen-2: "Benign"; Align-GVGD: "Not Available". The leucine amino acid residue is found in multiple mammalian species, which suggests that this missense change does not adversely affect protein function. In summary, the available evidence is currently insufficient to determine the role of this variant in disease. Therefore, it has been classified as a Variant of Uncertain Significance.

NM_014875.3(KIF14):c.155C>T (p.Pro52Leu)

Gene: KIF14 (kinesin family member 14; minus strand). Cytogenetic location: 1q32.1.
Variant type: single nucleotide variant.
Coding change: c.155C>T on transcript NM_014875.3 (MANE Select); coding-DNA position 155, C replaced by T.
Protein change: p.Pro52Leu; replaces proline 52 with leucine.
Molecular consequence: missense variant. On other transcripts: 5 prime UTR variant (1).
Genome position (GRCh38, 1-based): chr1:200,618,569, G>A on the plus strand (C>T on the coding strand, the complement: KIF14 is on the minus strand). VCF-style: chr1-200618569-G-A. GRCh37 (hg19) VCF-style: chr1-200587697-G-A.
Other names: c.-1231C>T (NM_001305792.1); short protein forms P52L.
Identifiers: ClinVar variation 2073828 (VCV002073828.2), dbSNP rs201770638, ClinGen allele CA1318076.